The following is an entry in ClinVar:

ClinVar aggregate classification (germline): Uncertain significance (1 of 4 stars; one submission).

Allele frequency attached by ClinVar (database versions not stated): ESP Exome Variant Server 0.00008.
gnomAD v4.1: 15 of 1,614,128 alleles (0.00093%); highest among the groups gnomAD compares: Admixed American, 0.0017%; no homozygotes.

Submission:

Labcorp Genetics (formerly Invitae), Labcorp
Classification: Uncertain significance. Last evaluated: 2024-07-03. Review status: criteria provided, single submitter. Criteria: Invitae Variant Classification Sherloc (09022015). Collection method: clinical testing. Allele origin: germline.
Comment: This sequence change replaces valine, which is neutral and non-polar, with isoleucine, which is neutral and non-polar, at codon 997 of the MICAL1 protein (p.Val997Ile). This variant is present in population databases (rs375453363, gnomAD 0.0009%). This variant has not been reported in the literature in individuals affected with MICAL1-related conditions. ClinVar contains an entry for this variant (Variation ID: 2057219). Algorithms developed to predict the effect of missense changes on protein structure and function output the following: SIFT: "Not Available"; PolyPhen-2: "Benign"; Align-GVGD: "Not Available". The isoleucine amino acid residue is found in multiple mammalian species, which suggests that this missense change does not adversely affect protein function. In summary, the available evidence is currently insufficient to determine the role of this variant in disease. Therefore, it has been classified as a Variant of Uncertain Significance.

NM_022765.4(MICAL1):c.2932G>A (p.Val978Ile)

Gene: MICAL1 (microtubule associated monooxygenase, calponin and LIM domain containing 1; minus strand). Cytogenetic location: 6q21.
Variant type: single nucleotide variant.
Coding change: c.2932G>A on transcript NM_022765.4 (MANE Select); coding-DNA position 2932, G replaced by A.
Protein change: p.Val978Ile; replaces valine 978 with isoleucine.
Molecular consequence: missense variant.
Genome position (GRCh38, 1-based): chr6:109,444,945, C>T on the plus strand (G>A on the coding strand, the complement: MICAL1 is on the minus strand). VCF-style: chr6-109444945-C-T. GRCh37 (hg19) VCF-style: chr6-109766148-C-T.
Other names: c.2674G>A, p.Val892Ile (NM_001159291.2); c.2989G>A, p.Val997Ile (NM_001286613.2); short protein forms V892I, V978I, V997I.
Identifiers: ClinVar variation 2057219 (VCV002057219.4), dbSNP rs375453363, ClinGen allele CA3952703.